The following is an entry in ClinVar:

NM_001378454.1(ALMS1):c.5307C>A (p.Tyr1769Ter)

Gene: ALMS1 (ALMS1 centrosome and basal body associated protein; plus strand). Cytogenetic location: 2p13.1.
Variant type: single nucleotide variant.
Coding change: c.5307C>A on transcript NM_001378454.1 (MANE Select); coding-DNA position 5307, C replaced by A.
Protein change: p.Tyr1769Ter; replaces tyrosine 1769 with a stop codon.
Molecular consequence: nonsense.
Genome position (GRCh38, 1-based): chr2:73,451,834, C>A. VCF-style: chr2-73451834-C-A. GRCh37 (hg19) VCF-style: chr2-73678961-C-A.
Other names: c.5310C>A, p.Tyr1770Ter (NM_015120.4); short protein forms Y1770*, Y1769*.
Identifiers: ClinVar variation 1401676 (VCV001401676.6), dbSNP rs758678450, ClinGen allele CA347280882.

ClinVar aggregate classification (germline): Pathogenic (1 of 4 stars; one submission).

Conditions:
Alstrom syndrome (ALMS). Identifiers: Orphanet 64, MedGen C0268425, MONDO:0008763, OMIM 203800.

Submission:

Labcorp Genetics (formerly Invitae), Labcorp
Classification: Pathogenic for Alstrom syndrome. Last evaluated: 2022-01-25. Review status: criteria provided, single submitter. Criteria: Invitae Variant Classification Sherloc (09022015). Collection method: clinical testing. Allele origin: germline.
Comment: This sequence change creates a premature translational stop signal (p.Tyr1770*) in the ALMS1 gene. It is expected to result in an absent or disrupted protein product. Loss-of-function variants in ALMS1 are known to be pathogenic (PMID: 17594715). This variant is not present in population databases (gnomAD no frequency). For these reasons, this variant has been classified as Pathogenic. This variant has not been reported in the literature in individuals affected with ALMS1-related conditions.

Literature cited by the submitters: PubMed 17594715.